The following is an entry in ClinVar:

NM_015346.4(ZFYVE26):c.6422C>T (p.Thr2141Met)

Gene: ZFYVE26 (zinc finger FYVE-type containing 26; minus strand). Cytogenetic location: 14q24.1.
Variant type: single nucleotide variant.
Coding change: c.6422C>T on transcript NM_015346.4 (MANE Select); coding-DNA position 6422, C replaced by T.
Protein change: p.Thr2141Met; replaces threonine 2141 with methionine.
Molecular consequence: missense variant.
Genome position (GRCh38, 1-based): chr14:67,761,532, G>A on the plus strand (C>T on the coding strand, the complement: ZFYVE26 is on the minus strand). VCF-style: chr14-67761532-G-A. GRCh37 (hg19) VCF-style: chr14-68228249-G-A.
Other names: short protein forms T2141M.
Identifiers: ClinVar variation 2148340 (VCV002148340.4), dbSNP rs146308319, ClinGen allele CA7239223.

ClinVar aggregate classification (germline): Uncertain significance. Review status: criteria provided, multiple submitters, no conflicts (2 of 4 stars). 2 submissions from 2 submitters: Uncertain significance (2). Last evaluated 2022-09-07.

Conditions:
Hereditary spastic paraplegia 15 (SPG15). Also called: KJELLIN SYNDROME; SPASTIC PARAPLEGIA AND RETINAL DEGENERATION; SPASTIC PARAPLEGIA 15, AUTOSOMAL RECESSIVE. Identifiers: Orphanet 100996, MedGen C1849128, MONDO:0010044, OMIM 270700.
Spastic paraplegia. Identifiers: MedGen C0037772, HP:0001258.

Allele frequency attached by ClinVar (database versions not stated): gnomAD exomes 0.00002; gnomAD 0.00006; ExAC 0.00008; ESP Exome Variant Server 0.00008; TOPMed 0.00009; 1000 Genomes Project 30x 0.00016; 1000 Genomes Project 0.00020.
gnomAD v4.1: 37 of 1,614,194 alleles (0.0023%); highest among the groups gnomAD compares: East Asian, 0.013%; no homozygotes.

Submissions (2):

Labcorp Genetics (formerly Invitae), Labcorp
Classification: Uncertain significance for Spastic paraplegia. Last evaluated: 2022-09-07. Review status: criteria provided, single submitter. Criteria: Invitae Variant Classification Sherloc (09022015). Collection method: clinical testing. Allele origin: germline.
Comment: This sequence change replaces threonine, which is neutral and polar, with methionine, which is neutral and non-polar, at codon 2141 of the ZFYVE26 protein (p.Thr2141Met). This variant is present in population databases (rs146308319, gnomAD 0.03%). This variant has not been reported in the literature in individuals affected with ZFYVE26-related conditions. Algorithms developed to predict the effect of missense changes on protein structure and function are either unavailable or do not agree on the potential impact of this missense change (SIFT: "Tolerated"; PolyPhen-2: "Possibly Damaging"; Align-GVGD: "Class C0"). In summary, the available evidence is currently insufficient to determine the role of this variant in disease. Therefore, it has been classified as a Variant of Uncertain Significance.

Revvity Omics, Revvity
Classification: Uncertain significance for Hereditary spastic paraplegia 15. Last evaluated: 2019-11-18. Review status: criteria provided, single submitter. Criteria: ACMG Guidelines, 2015. Collection method: clinical testing. Allele origin: germline.